The following is an entry in ClinVar:

ClinVar aggregate classification (germline): Uncertain significance (1 of 4 stars; one submission).

Conditions:
Kennedy disease (SMAX1). Also called: SPINAL AND BULBAR MUSCULAR ATROPHY, X-LINKED 1; KENNEDY SPINAL AND BULBAR MUSCULAR ATROPHY; Spinal and Bulbar Muscular Atrophy. Identifiers: Orphanet 481, MedGen C1839259, MONDO:0010735, OMIM 313200.
Androgen resistance syndrome (AIS). Also called: ANDROGEN RECEPTOR DEFICIENCY; DIHYDROTESTOSTERONE RECEPTOR DEFICIENCY; Androgen insensitivity; DHTR DEFICIENCY; TESTICULAR FEMINIZATION SYNDROME; Androgen insensitivity syndrome. Identifiers: Orphanet 754, Orphanet 99429, MedGen C0039585, MONDO:0019154, OMIM 300068. Disease mechanism: loss of function.

Submission:

Labcorp Genetics (formerly Invitae), Labcorp
Classification: Uncertain significance for Kennedy disease; Androgen resistance syndrome. Last evaluated: 2021-09-21. Review status: criteria provided, single submitter. Criteria: Invitae Variant Classification Sherloc (09022015). Collection method: clinical testing. Allele origin: germline.
Comment: In summary, the available evidence is currently insufficient to determine the role of this variant in disease. Therefore, it has been classified as a Variant of Uncertain Significance. Algorithms developed to predict the effect of missense changes on protein structure and function output the following: SIFT: "Tolerated"; PolyPhen-2: "Possibly Damaging"; Align-GVGD: "Class C0". The cysteine amino acid residue is found in multiple mammalian species, which suggests that this missense change does not adversely affect protein function. This variant has not been reported in the literature in individuals affected with AR-related conditions. This variant is not present in population databases (ExAC no frequency). This sequence change replaces serine with cysteine at codon 328 of the AR protein (p.Ser328Cys). The serine residue is moderately conserved and there is a moderate physicochemical difference between serine and cysteine.

NM_000044.6(AR):c.983C>G (p.Ser328Cys)

Gene: AR (androgen receptor; plus strand). Cytogenetic location: Xq12.
Variant type: single nucleotide variant.
Coding change: c.983C>G on transcript NM_000044.6 (MANE Select); coding-DNA position 983, C replaced by G.
Protein change: p.Ser328Cys; replaces serine 328 with cysteine.
Molecular consequence: missense variant. On other transcripts: 5 prime UTR variant (1).
Genome position (GRCh38, 1-based): chrX:67,546,129, C>G. VCF-style: chrX-67546129-C-G. GRCh37 (hg19) VCF-style: chrX-66765971-C-G.
Other names: c.-801C>G (NM_001011645.3); c.983C>G, p.Ser328Cys (NM_001348061.1, NM_001348063.1, NM_001348064.1); short protein forms S328C.
Identifiers: ClinVar variation 1492147 (VCV001492147.6), dbSNP rs1929717720, ClinGen allele CA413426063.